The following is an entry in ClinVar:

ClinVar aggregate classification (germline): Pathogenic. Review status: criteria provided, multiple submitters, no conflicts (2 of 4 stars). 2 submissions from 2 submitters: Pathogenic (2). Last evaluated 2023-02-05.

Conditions:
Fraser syndrome 1 (FRASRS1). Also called: CRYPTOPHTHALMOS WITH OTHER MALFORMATIONS. Identifiers: Orphanet 2052, MedGen C4551480, MONDO:0054737, OMIM 219000.

Submissions (2):

Labcorp Genetics (formerly Invitae), Labcorp
Classification: Pathogenic. Last evaluated: 2023-02-05. Review status: criteria provided, single submitter. Criteria: Invitae Variant Classification Sherloc (09022015). Collection method: clinical testing. Allele origin: germline.
Comment: For these reasons, this variant has been classified as Pathogenic. ClinVar contains an entry for this variant (Variation ID: 1179131). This variant has not been reported in the literature in individuals affected with FRAS1-related conditions. This variant is present in population databases (no rsID available, gnomAD 0.0009%). This sequence change creates a premature translational stop signal (p.Glu122Lysfs*53) in the FRAS1 gene. It is expected to result in an absent or disrupted protein product. Loss-of-function variants in FRAS1 are known to be pathogenic (PMID: 12766769, 18671281).

Fulgent Genetics
Classification: Pathogenic for Fraser syndrome 1. Last evaluated: 2021-06-30. Review status: criteria provided, single submitter. Criteria: ACMG Guidelines, 2015. Collection method: clinical testing. Allele origin: unknown.
Comment: This variant has been detected in individual(s) who were sent for testing of Renasight - kidney gene panel.

Literature cited by the submitters: PubMed 12766769 (cited by Labcorp Genetics (formerly Invitae), Labcorp); PubMed 18671281 (cited by Labcorp Genetics (formerly Invitae), Labcorp).

NM_025074.7(FRAS1):c.364del (p.Glu122fs)

Gene: FRAS1 (Fraser extracellular matrix complex subunit 1; plus strand). Cytogenetic location: 4q21.21.
Variant type: Deletion.
Coding change: c.364del on transcript NM_025074.7 (MANE Select); coding-DNA position 364, one base deleted (G; older notation c.364delG).
Protein change: p.Glu122fs; shifts the reading frame from glutamic acid 122.
Molecular consequence: frameshift variant.
Genome position (GRCh38, 1-based): chr4:78,252,446, G deleted; the last of 4 consecutive G bases (chr4:78,252,443-78,252,446); deleting any one gives the same sequence. VCF-style (leftmost placement, unchanged base first): chr4-78252442-TG-T. GRCh37 (hg19) VCF-style: chr4-79173596-TG-T.
Other names: c.364del, p.Glu122fs (NM_001166133.2); short protein forms E122fs.
Identifiers: ClinVar variation 1179131 (VCV001179131.5), dbSNP rs1560604726, ClinGen allele CA553082727.